The following is an entry in ClinVar:

NM_012208.4(HARS2):c.1120A>G (p.Lys374Glu)

Gene: HARS2 (histidyl-tRNA synthetase 2, mitochondrial; plus strand). Cytogenetic location: 5q31.3.
Variant type: single nucleotide variant.
Coding change: c.1120A>G on transcript NM_012208.4 (MANE Select); coding-DNA position 1120, A replaced by G.
Protein change: p.Lys374Glu; replaces lysine 374 with glutamic acid.
Molecular consequence: missense variant.
Genome position (GRCh38, 1-based): chr5:140,697,329, A>G. VCF-style: chr5-140697329-A-G. GRCh37 (hg19) VCF-style: chr5-140076914-A-G.
Other names: c.1045A>G, p.Lys349Glu (NM_001278731.2); c.688A>G, p.Lys230Glu (NM_001278732.2); c.1138A>G, p.Lys380Glu (NM_001363535.2); c.910A>G, p.Lys304Glu (NM_001363536.2); short protein forms K230E, K304E, K349E, K374E, K380E.
Identifiers: ClinVar variation 2444638 (VCV002444638.4), dbSNP rs759905986, ClinGen allele CA3444619.

ClinVar aggregate classification (germline): Uncertain significance. Review status: criteria provided, multiple submitters, no conflicts (2 of 4 stars). 3 submissions from 3 submitters: Uncertain significance (3). Last evaluated 2025-08-14.

Conditions:
Inborn genetic diseases. Identifiers: MedGen C0950123, MeSH D030342.

Allele frequency attached by ClinVar (database versions not stated): gnomAD exomes 0.00002; TOPMed 0.00004; ExAC 0.00005; gnomAD 0.00005.
gnomAD v4.1: 36 of 1,614,064 alleles (0.0022%); highest among the groups gnomAD compares: Admixed American, 0.05%; no homozygotes.

Submissions (3):

GeneDx
Classification: Uncertain significance. Last evaluated: 2025-08-14. Review status: criteria provided, single submitter. Criteria: GeneDx Variant Classification Process June 2021. Collection method: clinical testing. Allele origin: germline.
Comment: In silico analysis supports that this missense variant has a deleterious effect on protein structure/function; Has not been previously published as pathogenic or benign to our knowledge

Ambry Genetics
Classification: Uncertain significance for Inborn genetic diseases. Last evaluated: 2025-01-07. Review status: criteria provided, single submitter. Criteria: Ambry Variant Classification Scheme 2023. Collection method: clinical testing. Allele origin: germline.

Blueprint Genetics
Classification: Uncertain significance. Last evaluated: 2024-09-16. Review status: criteria provided, single submitter. Criteria: ACMG Guidelines, 2015. Collection method: clinical testing. Allele origin: germline.